The following is an entry in ClinVar:

ClinVar aggregate classification (germline): Uncertain significance (1 of 4 stars; one submission).

Conditions:
Peroxisome biogenesis disorder 5A (Zellweger) (PBD5A). Identifiers: Orphanet 912, MedGen C3553940, MONDO:0013932, OMIM 614866.

Submission:

Labcorp Genetics (formerly Invitae), Labcorp
Classification: Uncertain significance for Peroxisome biogenesis disorder 5A (Zellweger). Last evaluated: 2023-09-25. Review status: criteria provided, single submitter. Criteria: Invitae Variant Classification Sherloc (09022015). Collection method: clinical testing. Allele origin: germline.
Comment: In summary, the available evidence is currently insufficient to determine the role of this variant in disease. Therefore, it has been classified as a Variant of Uncertain Significance. Advanced modeling of protein sequence and biophysical properties (such as structural, functional, and spatial information, amino acid conservation, physicochemical variation, residue mobility, and thermodynamic stability) performed at Invitae indicates that this missense variant is not expected to disrupt PEX2 protein function. ClinVar contains an entry for this variant (Variation ID: 1430122). This variant has not been reported in the literature in individuals affected with PEX2-related conditions. This variant is not present in population databases (gnomAD no frequency). This sequence change replaces cysteine, which is neutral and slightly polar, with serine, which is neutral and polar, at codon 138 of the PEX2 protein (p.Cys138Ser).

NM_000318.3(PEX2):c.412T>A (p.Cys138Ser)

Gene: PEX2 (peroxisomal biogenesis factor 2; minus strand). Cytogenetic location: 8q21.13.
Variant type: single nucleotide variant.
Coding change: c.412T>A on transcript NM_000318.3 (MANE Select); coding-DNA position 412, T replaced by A.
Protein change: p.Cys138Ser; replaces cysteine 138 with serine.
Molecular consequence: missense variant.
Genome position (GRCh38, 1-based): chr8:76,983,767, A>T on the plus strand (T>A on the coding strand, the complement: PEX2 is on the minus strand). VCF-style: chr8-76983767-A-T. GRCh37 (hg19) VCF-style: chr8-77896003-A-T.
Other names: c.412T>A, p.Cys138Ser (NM_001079867.2, NM_001172086.2, NM_001172087.2); short protein forms C138S.
Identifiers: ClinVar variation 1430122 (VCV001430122.8), dbSNP rs2132044038, ClinGen allele CA371557398.